The following is an entry in ClinVar:

ClinVar aggregate classification (germline): Conflicting classifications of pathogenicity. Review status: criteria provided, conflicting classifications (1 of 4 stars). 12 submissions from 12 submitters: Uncertain significance (1); Likely benign (7). 4 of the submissions do not count toward it. Last evaluated 2026-04-20.

Conditions:
Hereditary cancer-predisposing syndrome. Also called: Hereditary Cancer Syndrome; Hereditary neoplastic syndrome; Neoplastic Syndromes, Hereditary; Tumor predisposition. Identifiers: Orphanet 140162, MedGen C0027672, MeSH D009386, MONDO:0015356.
Hereditary breast ovarian cancer syndrome. Also called: BRCA1- and BRCA2-Associated Hereditary Breast and Ovarian Cancer; Hereditary breast and ovarian cancer syndrome; Hereditary breast and ovarian cancer syndrome (HBOC); Breast and ovarian cancer; Hereditary breast and/or ovarian cancer syndrome; Hereditary breast and ovarian cancer. Identifiers: Orphanet 145, MedGen C0677776, MeSH D061325, MONDO:0003582. Disease mechanism: loss of function.
Breast-ovarian cancer, familial, susceptibility to, 1 (BROVCA1). Also called: BRCA1 Hereditary Breast and Ovarian Cancer; OVARIAN CANCER, SUSCEPTIBILITY TO. Identifiers: Orphanet 145, MedGen C2676676, MONDO:0011450, OMIM 604370. Disease mechanism: loss of function.

Allele frequency attached by ClinVar (database versions not stated): gnomAD exomes 0.00002; ExAC 0.00002.
gnomAD v4.1: 14 of 1,610,858 alleles (0.00087%); highest among the groups gnomAD compares: Admixed American, 0.0033%; no homozygotes.

Submissions (13):

Women's Health and Genetics/Laboratory Corporation of America, LabCorp
Classification: Likely benign. Last evaluated: 2026-04-20. Review status: criteria provided, single submitter. Criteria: LabCorp Variant Classification Summary - May 2015. Collection method: clinical testing. Allele origin: germline.
Comment: Variant summary: BRCA1 c.4993G>A (p.Val1665Met) results in a conservative amino acid change located in the BRCT domain of the encoded protein sequence. Algorithms developed to predict the effect of missense changes on protein structure and function are either unavailable or do not agree on the potential impact of this missense change. The variant allele was found at a frequency of 1.6e-05 in 251308 control chromosomes. The available data on variant occurrences in the general population are insufficient to allow any conclusion about variant significance. c.4993G>A has been reported in the literature in breast and/or ovarian cancer families and was noted to not segregate with disease in at least one reported family (Azzollini_2016, Claes_2004). These reports do not provide unequivocal conclusions about association of the variant with Hereditary Breast and Ovarian Cancer. Co-occurrences with other pathogenic variants have been reported in the BIC database (BRCA2 c.1754delA, p.Lys585fsX29; BRCA2 c.2830A>T, p.Lys944X), providing supporting evidence for a benign role. Experimental evidence evaluating an impact on protein function demonstrated the variant to have no functional effect and to display wild-type activity (Findlay_2018, Lee_2010, Vallon-Christersson_2001). The following publications have been ascertained in the context of this evaluation (PMID: 27062684, 15026808, 30209399, 20516115, 20378548, 11157798). ClinVar contains an entry for this variant (Variation ID: 55350). Based on the evidence outlined above, the variant was classified as likely benign.

Labcorp Genetics (formerly Invitae), Labcorp
Classification: Likely benign for Hereditary breast ovarian cancer syndrome. Last evaluated: 2026-01-18. Review status: criteria provided, single submitter. Criteria: Invitae Variant Classification Sherloc (09022015). Collection method: clinical testing. Allele origin: germline.

Blueprint Genetics
Classification: Likely benign. Last evaluated: 2024-03-07. Review status: criteria provided, single submitter. Criteria: ACMG Guidelines, 2015. Collection method: clinical testing. Allele origin: germline.

Quest Diagnostics Nichols Institute San Juan Capistrano
Classification: Likely benign. Last evaluated: 2021-04-12. Review status: criteria provided, single submitter. Criteria: Quest Diagnostics criteria. Collection method: clinical testing. Allele origin: unknown.

GeneDx
Classification: Likely benign. Last evaluated: 2019-03-05. Review status: criteria provided, single submitter. Criteria: GeneDx Variant Classification Process June 2021. Collection method: clinical testing. Allele origin: germline. Affected: yes.
Comment: This variant is associated with the following publications: (PMID: 20378548, 24753228, 25348012, 15026808, 15172985, 15350310, 17305420, 17308087, 20516115, 11157798, 10946236, 26206375, 28781887, 27062684, 21447777, 20423312, 18403564, 15133502, 12531920, 30209399, 30765603, 31159747)

Ambry Genetics
Classification: Likely benign for Hereditary cancer-predisposing syndrome. Last evaluated: 2018-11-16. Review status: criteria provided, single submitter. Criteria: Ambry Variant Classification Scheme 2023. Collection method: clinical testing. Allele origin: germline.

GeneKor MSA
Classification: Uncertain significance for Hereditary cancer-predisposing syndrome. Last evaluated: 2018-08-01. Review status: criteria provided, single submitter. Criteria: ACMG Guidelines, 2015. Collection method: clinical testing. Allele origin: germline. Affected: yes.

Color Diagnostics, LLC DBA Color Health
Classification: Likely benign for Hereditary cancer-predisposing syndrome. Last evaluated: 2017-12-18. Review status: criteria provided, single submitter. Criteria: ACMG Guidelines, 2015. Collection method: clinical testing. Allele origin: germline.

Counsyl
Classification: Uncertain significance for Breast-ovarian cancer, familial, susceptibility to, 1. Last evaluated: 2017-06-21. Review status: no assertion criteria provided. Collection method: clinical testing. Allele origin: unknown. Not counted in ClinVar's aggregate classification.

Sharing Clinical Reports Project (SCRP)
Classification: Likely benign for Breast-ovarian cancer, familial 1. Last evaluated: 2012-03-26. Review status: no assertion criteria provided. Collection method: clinical testing. Allele origin: germline. Not counted in ClinVar's aggregate classification.

Breast Cancer Information Core (BIC) (BRCA1)
Classification: Uncertain significance for Breast-ovarian cancer, familial 1. Last evaluated: 2002-05-29. Review status: no assertion criteria provided. Collection method: clinical testing. Allele origin: germline. Affected: yes. Observed: 4 variant alleles. Not counted in ClinVar's aggregate classification.

Brotman Baty Institute, University of Washington
No classification provided (evidence only). Condition: Breast-ovarian cancer, familial 1. Review status: no classification provided. Collection method: in vitro. Allele origin: not applicable. Functional consequence: functionally_normal. Not counted in ClinVar's aggregate classification.
ClinVar note: "not provided" was previously submitted as the classification for the variant. However, the classification appeared to be based only on an observation of functional data so it was converted to no classification on 2025-07-30.

Department of Pathology and Laboratory Medicine, Sinai Health System
Classification: Uncertain significance for Breast-ovarian cancer, familial, susceptibility to, 1. Review status: no assertion criteria provided. Collection method: clinical testing. Allele origin: unknown. Affected: yes. Study: The Canadian Open Genetics Repository (COGR). Not counted in ClinVar's aggregate classification.
Comment: The BRCA1 p.Val1665Met variant was identified in 2 of 4406 proband chromosomes (frequency: 0.0005) from individuals or families with breast and ovarian cancer (Azzollini 2016, Claes 2004). It was also identified in dbSNP (ID: rs80357169) as "With Uncertain significance, other allele", in ClinVar (classified 5x as Likely benign by GeneDx, Invitae, Ambry Genetics, SCRP and one other submitter and 4x Uncertain significance by submitters), LOVD 3.0 (observed 5x), UMD-LSDB (8 records of unknown clinical significance) and in the BIC Database (4x unknown clinical importance). The variant was identified in control databases in 4 of 246102 chromosomes at a frequency of 0.00002 (Genome Aggregation Database Feb 27, 2017). The variant was observed in the following populations: Latino in 1 of 33580 chromosomes (freq: 0.00003), European in 3 of 111586 chromosomes (freq: 0.00003), while the variant was not observed in the African, Other, Ashkenazi Jewish, East Asian, Finnish or South Asian populations. rnA range of functional, evolutionary, biochemical and computational studies have involved the variant with conflicting interpretations. Transcriptional assay studies demonstrated the variant displayed similar activity to wild-type controls in both yeast and mammalian cells, suggesting a â€šÃ„Ãºbenign polymorphismâ€šÃ„Ã¹ (Vallon-Christersson 2001). No functional effect of the variant was also demonstrated in another study that looked at protein folding, peptide biding activity and specificity and transcriptional activity in human cells in comparison to the wild-type control (Lee 2010). A biophysical study measuring thermodynamic stability of the BRCA1 BRCT domains classified the variant as â€šÃ„Ãºmildly destabilizingâ€šÃ„Ã¹ protein folding when compared to the wild-type (Rowling 2010). Two computational studies also had conflicting variant classifications of â€šÃ„Ãºneutralâ€šÃ„Ã¹ and as a â€šÃ„Ãºvariant of unknown significanceâ€šÃ„Ã¹ (Karchin 2007, Iversen 2011). The p.Val1665 residue is conserved in mammals and computational analyses (PolyPhen-2, SIFT, AlignGVGD, BLOSUM, MutationTaster) provide inconsistent predictions regarding the impact to the protein; this information is not very predictive of pathogenicity. The variant occurs outside of the splicing consensus sequence and 1 of 4 in silico or computational prediction software programs (SpliceSiteFinder, MaxEntScan, NNSPLICE, GeneSplicer) predict a greater than 10% difference in splicing; this is not very predictive of pathogenicity. In summary, based on the above information the clinical significance of this variant cannot be determined with certainty at this time. This variant is classified as a variant of uncertain significance.

Literature cited by the submitters: PubMed 20516115 (cited by 4 submitters); PubMed 20378548 (cited by 3 submitters); PubMed 15026808 (cited by 4 submitters); PubMed 11157798 (cited by 4 submitters); PubMed 30209399 (cited by Women's Health and Genetics/Laboratory Corporation of America, LabCorp and Quest Diagnostics Nichols Institute San Juan Capistrano); PubMed 27062684 (cited by 4 submitters); PubMed 31954625 (cited by Quest Diagnostics Nichols Institute San Juan Capistrano); PubMed 32257056 (cited by Quest Diagnostics Nichols Institute San Juan Capistrano); PubMed 30257991 (cited by Quest Diagnostics Nichols Institute San Juan Capistrano); PubMed 15350310 (cited by Quest Diagnostics Nichols Institute San Juan Capistrano and Ambry Genetics); PubMed 17305420 (cited by Quest Diagnostics Nichols Institute San Juan Capistrano and Ambry Genetics); PubMed 15172985 (cited by Quest Diagnostics Nichols Institute San Juan Capistrano); PubMed 21447777 (cited by Quest Diagnostics Nichols Institute San Juan Capistrano and Counsyl); PubMed 24845084 (cited by Quest Diagnostics Nichols Institute San Juan Capistrano); PubMed 15133502 (cited by Ambry Genetics).

NM_007294.4(BRCA1):c.4993G>A (p.Val1665Met)

Gene: BRCA1 (BRCA1 DNA repair associated; minus strand). Cytogenetic location: 17q21.31.
Variant type: single nucleotide variant.
Coding change: c.4993G>A on transcript NM_007294.4 (MANE Select); coding-DNA position 4993, G replaced by A.
Protein change: p.Val1665Met; replaces valine 1665 with methionine.
Molecular consequence: missense variant. On other transcripts: non-coding transcript variant (1).
Genome position (GRCh38, 1-based): chr17:43,067,689, C>T on the plus strand (G>A on the coding strand, the complement: BRCA1 is on the minus strand). VCF-style: chr17-43067689-C-T. GRCh37 (hg19) VCF-style: chr17-41219706-C-T.
Other names: 5112G>A; c.1564G>A, p.Val522Met (NM_001408424.1, NM_001408421.1, NM_001408422.1 and 1 more transcripts); c.1561G>A, p.Val521Met (NM_001408425.1, NM_001408426.1, NM_001408427.1 and 4 more transcripts); c.1558G>A, p.Val520Met (NM_001408432.1, NM_001408433.1, NM_001408443.1 and 10 more transcripts); c.4852G>A, p.Val1618Met (NM_001407730.1, NM_001407731.1, NM_001407692.1 and 13 more transcripts); c.4849G>A, p.Val1617Met (NM_001407732.1, NM_001407733.1, NM_001407734.1 and 21 more transcripts); c.1555G>A, p.Val519Met (NM_001408445.1, NM_001408446.1, NM_001408447.1 and 2 more transcripts); c.1549G>A, p.Val517Met (NM_001408451.1); and 71 more; short protein forms V1665M, V1618M, V561M, V1686M, V1538M, V1575M, V1577M, V1598M.
Identifiers: ClinVar variation 55350 (VCV000055350.29), dbSNP rs80357169, ClinGen allele CA003143.